The following is an entry in ClinVar:

NM_025081.3(NYNRIN):c.4900_4901delinsTT (p.His1634Phe)

Gene: NYNRIN (NYN domain and retroviral integrase containing; plus strand). Cytogenetic location: 14q12.
Variant type: Indel.
Coding change: c.4900_4901delinsTT on transcript NM_025081.3 (MANE Select); coding-DNA positions 4900 to 4901, CA replaced by TT.
Protein change: p.His1634Phe; replaces histidine 1634 with phenylalanine.
Molecular consequence: missense variant.
Genome position (GRCh38, 1-based): chr14:24,416,649-24,416,650, CA replaced by TT. VCF-style: chr14-24416649-CA-TT. GRCh37 (hg19) VCF-style: chr14-24885855-CA-TT.
Other names: short protein forms H1634F.
Identifiers: ClinVar variation 3709234 (VCV003709234.2).

ClinVar aggregate classification (germline): Uncertain significance (1 of 4 stars; one submission).

Submission:

Labcorp Genetics (formerly Invitae), Labcorp
Classification: Uncertain significance. Last evaluated: 2024-09-12. Review status: criteria provided, single submitter. Criteria: Invitae Variant Classification Sherloc (09022015). Collection method: clinical testing. Allele origin: germline.
Comment: This sequence change replaces histidine, which is basic and polar, with phenylalanine, which is neutral and non-polar, at codon 1634 of the NYNRIN protein (p.His1634Phe). Information on the frequency of this variant in the gnomAD database is not available, as this variant may be reported differently in the database. This variant has not been reported in the literature in individuals affected with NYNRIN-related conditions. Experimental studies and prediction algorithms are not available or were not evaluated, and the functional significance of this variant is currently unknown. In summary, the available evidence is currently insufficient to determine the role of this variant in disease. Therefore, it has been classified as a Variant of Uncertain Significance.